The following is an entry in ClinVar:

NM_002426.6(MMP12):c.687T>C (p.Ser229=)

Gene: MMP12 (matrix metallopeptidase 12; minus strand). Cytogenetic location: 11q22.2.
Variant type: single nucleotide variant.
Coding change: c.687T>C on transcript NM_002426.6 (MANE Select); coding-DNA position 687, T replaced by C.
Protein change: p.Ser229=; no amino-acid change (serine 229 retained).
Molecular consequence: synonymous variant.
Genome position (GRCh38, 1-based): chr11:102,868,008, A>G on the plus strand (T>C on the coding strand, the complement: MMP12 is on the minus strand). VCF-style: chr11-102868008-A-G. GRCh37 (hg19) VCF-style: chr11-102738739-A-G.
Identifiers: ClinVar variation 2642326 (VCV002642326.24), dbSNP rs61730846, ClinGen allele CA227363204.

ClinVar aggregate classification (germline): Likely benign (1 of 4 stars; one submission).

Allele frequency attached by ClinVar (database versions not stated): ESP Exome Variant Server 0.00058; 1000 Genomes Project 0.00060; 1000 Genomes Project 30x 0.00062; gnomAD 0.00080; gnomAD exomes 0.00087; TOPMed 0.00093; ExAC 0.00134.
gnomAD v4.1: 1,460 of 1,605,452 alleles (0.091%); highest among the groups gnomAD compares: Middle Eastern, 1.8%; 7 homozygotes.

Submission:

CeGaT Center for Human Genetics Tuebingen
Classification: Likely benign. Last evaluated: 2022-12-01. Review status: criteria provided, single submitter. Criteria: CeGaT Center For Human Genetics Tuebingen Variant Classification Criteria Version 2. Collection method: clinical testing. Allele origin: germline. Affected: yes. Observed: 1 variant allele.
Comment: MMP12: BP4, BP7